The following is an entry in ClinVar:

ClinVar aggregate classification (germline): Benign/Likely benign. Review status: criteria provided, multiple submitters, no conflicts (2 of 4 stars). 9 submissions from 9 submitters: Benign (4); Likely benign (4). 1 of the submissions does not count toward it. Last evaluated 2026-01-26.

Conditions:
Primary ciliary dyskinesia. Also called: Ciliary dyskinesia. Identifiers: Orphanet 244, MedGen C0008780, MONDO:0016575, HP:0012265.
Primary ciliary dyskinesia 3. Identifiers: Orphanet 244, MedGen C1837618, MONDO:0012085, OMIM 608644.

Allele frequency attached by ClinVar (database versions not stated): gnomAD 0.00127 and 0.00246; TOPMed 0.00185; gnomAD exomes 0.00274 and 0.00495; ExAC 0.00483; 1000 Genomes Project 0.01458; 1000 Genomes Project 30x 0.01483.
gnomAD v4.1: 4,471 of 1,614,148 alleles (0.28%); highest among the groups gnomAD compares: East Asian, 6.4%; 139 homozygotes.

Submissions (9):

Labcorp Genetics (formerly Invitae), Labcorp
Classification: Benign for Primary ciliary dyskinesia. Last evaluated: 2026-01-26. Review status: criteria provided, single submitter. Criteria: Invitae Variant Classification Sherloc (09022015). Collection method: clinical testing. Allele origin: germline.

CeGaT Center for Human Genetics Tuebingen
Classification: Benign. Last evaluated: 2023-12-01. Review status: criteria provided, single submitter. Criteria: CeGaT Center For Human Genetics Tuebingen Variant Classification Criteria Version 2. Collection method: clinical testing. Allele origin: germline. Affected: yes. Observed: 2 variant alleles.
Comment: DNAH5: BP4, BS1, BS2

Fulgent Genetics
Classification: Likely benign for Primary ciliary dyskinesia 3. Last evaluated: 2021-11-30. Review status: criteria provided, single submitter. Criteria: ACMG Guidelines, 2015. Collection method: clinical testing. Allele origin: unknown.

GeneDx
Classification: Likely benign. Last evaluated: 2020-10-28. Review status: criteria provided, single submitter. Criteria: GeneDx Variant Classification Process June 2021. Collection method: clinical testing. Allele origin: germline. Affected: yes.
Comment: See Variant Classification Assertion Criteria.

Illumina Laboratory Services, Illumina
Classification: Likely benign for Primary ciliary dyskinesia 3. Last evaluated: 2018-01-13. Review status: criteria provided, single submitter. Criteria: ICSL Variant Classification Criteria 13 December 2019. Collection method: clinical testing. Allele origin: germline.
Comment: This variant was observed in the ICSL laboratory as part of a predisposition screen in an ostensibly healthy population. It had not been previously curated by ICSL or reported in the Human Gene Mutation Database (HGMD: prior to June 1st, 2018), and was therefore a candidate for classification through an automated scoring system. Utilizing variant allele frequency, disease prevalence and penetrance estimates, and inheritance mode, an automated score was calculated to assess if this variant is too frequent to cause the disease. Based on the score and internal cut-off values, a variant classified as likely benign is not then subjected to further curation. The score for this variant resulted in a classification of likely benign for this disease.

PreventionGenetics, part of Exact Sciences
Classification: Benign. Last evaluated: 2016-04-07. Review status: criteria provided, single submitter. Criteria: ACMG Guidelines, 2015. Collection method: clinical testing. Allele origin: germline.

Ambry Genetics
Classification: Benign for Primary ciliary dyskinesia. Last evaluated: 2015-09-28. Review status: criteria provided, single submitter. Criteria: Ambry Variant Classification Scheme 2023. Collection method: clinical testing. Allele origin: germline.

Breakthrough Genomics
Classification: Likely benign. Review status: criteria provided, single submitter. Criteria: ACMG Guidelines, 2015. Collection method: not provided. Allele origin: germline. Inheritance: Autosomal recessive inheritance. Affected: yes.

Natera, Inc.
Classification: Benign for Primary ciliary dyskinesia. Last evaluated: 2020-01-08. Review status: no assertion criteria provided. Collection method: clinical testing. Allele origin: germline. Not counted in ClinVar's aggregate classification.

NM_001369.3(DNAH5):c.13286G>A (p.Arg4429Gln)

Gene: DNAH5 (dynein axonemal heavy chain 5; minus strand). Cytogenetic location: 5p15.2.
Variant type: single nucleotide variant.
Coding change: c.13286G>A on transcript NM_001369.3 (MANE Select); coding-DNA position 13286, G replaced by A.
Protein change: p.Arg4429Gln; replaces arginine 4429 with glutamine.
Molecular consequence: missense variant.
Genome position (GRCh38, 1-based): chr5:13,708,175, C>T on the plus strand (G>A on the coding strand, the complement: DNAH5 is on the minus strand). VCF-style: chr5-13708175-C-T. GRCh37 (hg19) VCF-style: chr5-13708284-C-T.
Other names: short protein forms R4429Q.
Identifiers: ClinVar variation 238962 (VCV000238962.47), dbSNP rs61744047, ClinGen allele CA3201405.